The following is an entry in ClinVar:

NM_001184880.2(PCDH19):c.1493G>A (p.Arg498Gln)

Gene: PCDH19 (protocadherin 19; minus strand). Cytogenetic location: Xq22.1.
Variant type: single nucleotide variant.
Coding change: c.1493G>A on transcript NM_001184880.2 (MANE Select); coding-DNA position 1493, G replaced by A.
Protein change: p.Arg498Gln; replaces arginine 498 with glutamine.
Molecular consequence: missense variant.
Genome position (GRCh38, 1-based): chrX:100,407,105, C>T on the plus strand (G>A on the coding strand, the complement: PCDH19 is on the minus strand). VCF-style: chrX-100407105-C-T. GRCh37 (hg19) VCF-style: chrX-99662103-C-T.
Other names: c.1493G>A, p.Arg498Gln (NM_001105243.2, NM_020766.3); short protein forms R498Q.
Identifiers: ClinVar variation 3699882 (VCV003699882.2).

ClinVar aggregate classification (germline): Uncertain significance (1 of 4 stars; one submission).

Conditions:
Developmental and epileptic encephalopathy, 9 (DEE9). Also called: Early infantile epileptic encephalopathy 9; EPILEPSY, FEMALE-RESTRICTED, WITH MENTAL RETARDATION; JUBERG-HELLMAN SYNDROME; PCDH19-Related X-Linked Female-Limited Epilepsy with Mental Retardation. Identifiers: Orphanet 101039, Orphanet 2076, MedGen C1848137, MONDO:0010246, OMIM 300088. Disease mechanism: loss of function.

Submission:

Labcorp Genetics (formerly Invitae), Labcorp
Classification: Uncertain significance for Developmental and epileptic encephalopathy, 9. Last evaluated: 2024-10-24. Review status: criteria provided, single submitter. Criteria: Invitae Variant Classification Sherloc (09022015). Collection method: clinical testing. Allele origin: germline.
Comment: This sequence change replaces arginine, which is basic and polar, with glutamine, which is neutral and polar, at codon 498 of the PCDH19 protein (p.Arg498Gln). This variant is not present in population databases (gnomAD no frequency). This variant has not been reported in the literature in individuals affected with PCDH19-related conditions. Invitae Evidence Modeling of protein sequence and biophysical properties (such as structural, functional, and spatial information, amino acid conservation, physicochemical variation, residue mobility, and thermodynamic stability) indicates that this missense variant is not expected to disrupt PCDH19 protein function with a negative predictive value of 95%. In summary, the available evidence is currently insufficient to determine the role of this variant in disease. Therefore, it has been classified as a Variant of Uncertain Significance.